The following is an entry in ClinVar:

NM_022841.7(RFX7):c.3095G>C (p.Ser1032Thr)

Gene: RFX7 (regulatory factor X7; minus strand). Cytogenetic location: 15q21.3.
Variant type: single nucleotide variant.
Coding change: c.3095G>C on transcript NM_022841.7 (MANE Select); coding-DNA position 3095, G replaced by C.
Protein change: p.Ser1032Thr; replaces serine 1032 with threonine.
Molecular consequence: missense variant.
Genome position (GRCh38, 1-based): chr15:56,094,633, C>G on the plus strand (G>C on the coding strand, the complement: RFX7 is on the minus strand). VCF-style: chr15-56094633-C-G. GRCh37 (hg19) VCF-style: chr15-56386831-C-G.
Other names: c.2804G>C, p.Ser935Thr (NM_001368073.2, NM_001368074.1, NM_001370554.1); c.3095G>C, p.Ser1032Thr (NM_001370561.1); short protein forms S1032T, S935T.
Identifiers: ClinVar variation 4074440 (VCV004074440.1).

ClinVar aggregate classification (germline): Uncertain significance (1 of 4 stars; one submission).

Submission:

GeneDx
Classification: Uncertain significance. Last evaluated: 2025-02-03. Review status: criteria provided, single submitter. Criteria: GeneDx Variant Classification Process June 2021. Collection method: clinical testing. Allele origin: germline. Affected: yes.
Comment: Not observed at significant frequency in large population cohorts (gnomAD); In silico analysis indicates that this missense variant does not alter protein structure/function; Has not been previously published as pathogenic or benign to our knowledge